The following is an entry in ClinVar:

NM_016239.4(MYO15A):c.9619C>T (p.Arg3207Cys)

Gene: MYO15A (myosin XVA; plus strand). Cytogenetic location: 17p11.2.
Variant type: single nucleotide variant.
Coding change: c.9619C>T on transcript NM_016239.4 (MANE Select); coding-DNA position 9619, C replaced by T.
Protein change: p.Arg3207Cys; replaces arginine 3207 with cysteine.
Molecular consequence: missense variant.
Genome position (GRCh38, 1-based): chr17:18,163,250, C>T. VCF-style: chr17-18163250-C-T. GRCh37 (hg19) VCF-style: chr17-18066564-C-T.
Other names: short protein forms R3207C.
Identifiers: ClinVar variation 667275 (VCV000667275.4), dbSNP rs1387363252, ClinGen allele CA398638706.

ClinVar aggregate classification (germline): Uncertain significance (1 of 4 stars; one submission).

Allele frequency attached by ClinVar (database versions not stated): gnomAD exomes below 0.00001.
gnomAD v4.1: 7 of 1,614,138 alleles (0.00043%); highest among the groups gnomAD compares: Admixed American, 0.0033%; no homozygotes.

Submission:

Laboratory for Molecular Medicine, Mass General Brigham Personalized Medicine
Classification: Uncertain significance. Last evaluated: 2018-08-24. Review status: criteria provided, single submitter. Criteria: LMM Criteria. Collection method: clinical testing. Allele origin: germline. Observed: 1 variant allele.
Comment: The p.Arg3207Cys variant in MYO15A has not been previously reported in individua ls with hearing loss, but has been identified in 0.002% (1/33582) Latino chromos omes by the Genome Aggregation Database (gnomAD, g). A likely pathogenic variant (c.9620G>A, p.Arg3207His) has been reported in s everal individuals with hearing loss (LMM unpublished data, ClinVar variation ID 228973). In addition, computational prediction tools and conservation analysis suggest that the p.Arg3207Cys variant may impact the protein. However, this info rmation is not predictive enough to determine pathogenicity. In summary, the cli nical significance of the p.Arg3207Cys variant is uncertain. ACMG/AMP Criteria a pplied: PM2, PS3_Moderate, PP3.